The following is an entry in ClinVar:

ClinVar aggregate classification (germline): Benign (0 of 4 stars; one submission).

Conditions:
SHROOM2-related disorder. Also called: SHROOM2-related condition.

Allele frequency attached by ClinVar (database versions not stated): gnomAD exomes 0.26719; gnomAD 0.39111; ESP Exome Variant Server 0.40508; ExAC 0.41687; TOPMed 0.42425; 1000 Genomes Project 30x 0.46348; 1000 Genomes Project 0.46384.
gnomAD v4.1: 334,191 of 1,194,345 alleles (28%); highest among the groups gnomAD compares: African/African-American, 71%; 38,986 homozygotes.

Submission:

PreventionGenetics, part of Exact Sciences
Classification: Benign for SHROOM2-related condition. Last evaluated: 2024-07-29. Review status: no assertion criteria provided. Collection method: clinical testing. Allele origin: germline.
Comment: This variant is classified as benign based on ACMG/AMP sequence variant interpretation guidelines (Richards et al. 2015 PMID: 25741868, with internal and published modifications).

NM_001649.4(SHROOM2):c.4821G>C (p.Leu1607Phe)

Gene: SHROOM2 (shroom family member 2; plus strand). Cytogenetic location: Xp22.2.
Variant type: single nucleotide variant.
Coding change: c.4821G>C on transcript NM_001649.4 (MANE Select); coding-DNA position 4821, G replaced by C.
Protein change: p.Leu1607Phe; replaces leucine 1607 with phenylalanine.
Molecular consequence: missense variant.
Genome position (GRCh38, 1-based): chrX:9,946,907, G>C. VCF-style: chrX-9946907-G-C. GRCh37 (hg19) VCF-style: chrX-9914947-G-C.
Other names: c.1326G>C, p.Leu442Phe (NM_001320663.2); c.1323G>C, p.Leu441Phe (NM_001320664.2); short protein forms L1607F, L441F, L442F.
Identifiers: ClinVar variation 3059954 (VCV003059954.2), dbSNP rs2073942, ClinGen allele CA10346034.
Genomic context (GRCh38, chrX:9,946,907, plus strand): 5'-CGAGCAGCGGGAGCTGGAAGATAAAATCCACCTTGGTGAAGAGCAGCTGAAGTGCTTATT[G>C]GACAGCCTTCAGCCCGAAAGGGGCAAATAAGAGACCAGTCCCCGGTGGAGGAGGGGCACG-3'
Protein context (NP_001640.1, residues 1597-1616): HLGEEQLKCL[Leu1607Phe]DSLQPERGK